The following is an entry in ClinVar:

NM_021927.3(GUF1):c.1058C>T (p.Ala353Val)

Gene: GUF1 (GTP binding elongation factor GUF1; plus strand). Cytogenetic location: 4p12.
Variant type: single nucleotide variant.
Coding change: c.1058C>T on transcript NM_021927.3 (MANE Select); coding-DNA position 1058, C replaced by T.
Protein change: p.Ala353Val; replaces alanine 353 with valine.
Molecular consequence: missense variant.
Genome position (GRCh38, 1-based): chr4:44,688,126, C>T. VCF-style: chr4-44688126-C-T. GRCh37 (hg19) VCF-style: chr4-44690143-C-T.
Other names: c.1058C>T (NM_021927.2); c.86C>T, p.Ala29Val (NM_001345867.2, NM_001345869.2); c.1058C>T, p.Ala353Val (NM_001345868.2); short protein forms A29V, A353V.
Identifiers: ClinVar variation 2722858 (VCV002722858.4), dbSNP rs770440830, ClinGen allele CA2905522.

ClinVar aggregate classification (germline): Uncertain significance. Review status: criteria provided, multiple submitters, no conflicts (2 of 4 stars). 2 submissions from 2 submitters: Uncertain significance (2). Last evaluated 2025-09-04.

Allele frequency attached by ClinVar (database versions not stated): gnomAD 0.00003; gnomAD exomes 0.00013; TOPMed 0.00004; ExAC 0.00005.

Submissions (2):

Labcorp Genetics (formerly Invitae), Labcorp
Classification: Uncertain significance. Last evaluated: 2025-09-04. Review status: criteria provided, single submitter. Criteria: Invitae Variant Classification Sherloc (09022015). Collection method: clinical testing. Allele origin: germline.
Comment: This sequence change replaces alanine, which is neutral and non-polar, with valine, which is neutral and non-polar, at codon 353 of the GUF1 protein (p.Ala353Val). This variant is present in population databases (rs770440830, gnomAD 0.01%). This variant has not been reported in the literature in individuals affected with GUF1-related conditions. ClinVar contains an entry for this variant (Variation ID: 2722858). Invitae Evidence Modeling of protein sequence and biophysical properties (such as structural, functional, and spatial information, amino acid conservation, physicochemical variation, residue mobility, and thermodynamic stability) indicates that this missense variant is not expected to disrupt GUF1 protein function with a negative predictive value of 80%. Algorithms developed to predict the effect of sequence changes on RNA splicing suggest that this variant may disrupt the consensus splice site. In summary, the available evidence is currently insufficient to determine the role of this variant in disease. Therefore, it has been classified as a Variant of Uncertain Significance.

Ambry Genetics
Classification: Uncertain significance. Last evaluated: 2023-12-21. Review status: criteria provided, single submitter. Criteria: Ambry Variant Classification Scheme 2023. Collection method: clinical testing. Allele origin: germline.